The following is an entry in ClinVar:

ClinVar aggregate classification (germline): Uncertain significance (1 of 4 stars; one submission).

Submission:

Labcorp Genetics (formerly Invitae), Labcorp
Classification: Uncertain significance. Last evaluated: 2020-09-20. Review status: criteria provided, single submitter. Criteria: Invitae Variant Classification Sherloc (09022015). Collection method: clinical testing. Allele origin: germline.
Comment: This variant is not present in population databases (ExAC no frequency). This variant has not been reported in the literature in individuals with SCN3A-related conditions. Algorithms developed to predict the effect of missense changes on protein structure and function (SIFT, PolyPhen-2, Align-GVGD) all suggest that this variant is likely to be disruptive, but these predictions have not been confirmed by published functional studies and their clinical significance is uncertain. In summary, the available evidence is currently insufficient to determine the role of this variant in disease. Therefore, it has been classified as a Variant of Uncertain Significance. This sequence change replaces aspartic acid with alanine at codon 367 of the SCN3A protein (p.Asp367Ala). The aspartic acid residue is highly conserved and there is a moderate physicochemical difference between aspartic acid and alanine.

NM_006922.4(SCN3A):c.1100A>C (p.Asp367Ala)

Gene: SCN3A (sodium voltage-gated channel alpha subunit 3; minus strand). Cytogenetic location: 2q24.3.
Variant type: single nucleotide variant.
Coding change: c.1100A>C on transcript NM_006922.4 (MANE Select); coding-DNA position 1100, A replaced by C.
Protein change: p.Asp367Ala; replaces aspartic acid 367 with alanine.
Molecular consequence: missense variant.
Genome position (GRCh38, 1-based): chr2:165,155,835, T>G on the plus strand (A>C on the coding strand, the complement: SCN3A is on the minus strand). VCF-style: chr2-165155835-T-G. GRCh37 (hg19) VCF-style: chr2-166012345-T-G.
Other names: c.1100A>C, p.Asp367Ala (NM_001081676.2, NM_001081677.2); short protein forms D367A.
Identifiers: ClinVar variation 1009784 (VCV001009784.8), dbSNP rs1688988234, ClinGen allele CA349238518.